The following is an entry in ClinVar:

ClinVar aggregate classification (germline): Conflicting classifications of pathogenicity. Review status: criteria provided, conflicting classifications (1 of 4 stars). 4 submissions from 4 submitters: Uncertain significance (3); Likely benign (1). Last evaluated 2025-08-07.

Conditions:
NEFL-related disorder. Also called: NEFL-related condition.
Inborn genetic diseases. Identifiers: MedGen C0950123, MeSH D030342.
Charcot-Marie-Tooth disease type 2E (CMT2E). Also called: CHARCOT-MARIE-TOOTH DISEASE, AXONAL, TYPE 2E; CHARCOT-MARIE-TOOTH NEUROPATHY, TYPE 2E. Identifiers: Orphanet 99939, MedGen C1843225, MONDO:0011894, OMIM 607684.

Allele frequency attached by ClinVar (database versions not stated): gnomAD exomes 0.00001 and 0.00003; ExAC 0.00003; gnomAD 0.00003; TOPMed 0.00003.

Submissions (4):

PreventionGenetics, part of Exact Sciences
Classification: Likely benign for NEFL-related condition. Last evaluated: 2025-08-07. Review status: criteria provided, single submitter. Criteria: ACMG Guidelines, 2015. Collection method: clinical testing. Allele origin: germline.
Comment: This variant is classified as likely benign based on ACMG/AMP sequence variant interpretation guidelines (Richards et al. 2015 PMID: 25741868, with internal and published modifications).

Labcorp Genetics (formerly Invitae), Labcorp
Classification: Uncertain significance for Charcot-Marie-Tooth disease type 2E. Last evaluated: 2025-01-15. Review status: criteria provided, single submitter. Criteria: Invitae Variant Classification Sherloc (09022015). Collection method: clinical testing. Allele origin: germline.
Comment: This sequence change replaces lysine, which is basic and polar, with glutamic acid, which is acidic and polar, at codon 529 of the NEFL protein (p.Lys529Glu). This variant is present in population databases (rs773979111, gnomAD 0.007%). This variant has not been reported in the literature in individuals affected with NEFL-related conditions. ClinVar contains an entry for this variant (Variation ID: 624316). An algorithm developed to predict the effect of missense changes on protein structure and function outputs the following: PolyPhen-2: "Not Available". The glutamic acid amino acid residue is found in multiple mammalian species, which suggests that this missense change does not adversely affect protein function. In summary, the available evidence is currently insufficient to determine the role of this variant in disease. Therefore, it has been classified as a Variant of Uncertain Significance.

Ambry Genetics
Classification: Uncertain significance for Inborn genetic diseases. Last evaluated: 2022-02-03. Review status: criteria provided, single submitter. Criteria: Ambry Variant Classification Scheme 2023. Collection method: clinical testing. Allele origin: germline.
Comment: The p.K529E variant (also known as c.1585A>G), located in coding exon 4 of the NEFL gene, results from an A to G substitution at nucleotide position 1585. The lysine at codon 529 is replaced by glutamic acid, an amino acid with similar properties. This amino acid position is well conserved in available vertebrate species. In addition, the in silico prediction for this alteration is inconclusive. Since supporting evidence is limited at this time, the clinical significance of this alteration remains unclear.

CeGaT Center for Human Genetics Tuebingen
Classification: Uncertain significance. Last evaluated: 2018-04-01. Review status: criteria provided, single submitter. Criteria: CeGaT Center For Human Genetics Tuebingen Variant Classification Criteria Version 2. Collection method: clinical testing. Allele origin: germline. Affected: yes. Observed: 1 variant allele.

NM_006158.5(NEFL):c.1585A>G (p.Lys529Glu)

Gene: NEFL (neurofilament light chain; minus strand). Cytogenetic location: 8p21.2.
Variant type: single nucleotide variant.
Coding change: c.1585A>G on transcript NM_006158.5 (MANE Select); coding-DNA position 1585, A replaced by G.
Protein change: p.Lys529Glu; replaces lysine 529 with glutamic acid.
Molecular consequence: missense variant.
Genome position (GRCh38, 1-based): chr8:24,952,857, T>C on the plus strand (A>G on the coding strand, the complement: NEFL is on the minus strand). VCF-style: chr8-24952857-T-C. GRCh37 (hg19) VCF-style: chr8-24810370-T-C.
Other names: c.1585A>G (NM_006158.4); short protein forms K529E.
Identifiers: ClinVar variation 624316 (VCV000624316.49), dbSNP rs773979111, ClinGen allele CA4681225.